The following is an entry in ClinVar:

NM_000245.4(MET):c.262C>G (p.Pro88Ala)

Gene: MET (MET proto-oncogene, receptor tyrosine kinase; plus strand). Cytogenetic location: 7q31.2.
Variant type: single nucleotide variant.
Coding change: c.262C>G on transcript NM_000245.4 (MANE Select); coding-DNA position 262, C replaced by G.
Protein change: p.Pro88Ala; replaces proline 88 with alanine.
Molecular consequence: missense variant. On other transcripts: intron variant (1).
Genome position (GRCh38, 1-based): chr7:116,699,346, C>G. VCF-style: chr7-116699346-C-G. GRCh37 (hg19) VCF-style: chr7-116339400-C-G.
Other names: c.262C>G, p.Pro88Ala (NM_001127500.3, NM_001324401.3); c.-91+26769C>G (NM_001324402.2); short protein forms P88A.
Identifiers: ClinVar variation 485739 (VCV000485739.15), dbSNP rs1169278904, ClinGen allele CA368968689.

ClinVar aggregate classification (germline): Uncertain significance. Review status: criteria provided, multiple submitters, no conflicts (2 of 4 stars). 2 submissions from 2 submitters: Uncertain significance (2). Last evaluated 2024-06-06.

Conditions:
Renal cell carcinoma. Identifiers: Orphanet 217071, MedGen C0007134, MeSH D002292, MONDO:0005086, HP:0005584.
Hereditary cancer-predisposing syndrome. Also called: Tumor predisposition; Hereditary Cancer Syndrome; Hereditary neoplastic syndrome; Neoplastic Syndromes, Hereditary. Identifiers: Orphanet 140162, MedGen C0027672, MeSH D009386, MONDO:0015356.

Allele frequency attached by ClinVar (database versions not stated): TOPMed below 0.00001.

Submissions (2):

Labcorp Genetics (formerly Invitae), Labcorp
Classification: Uncertain significance for Renal cell carcinoma. Last evaluated: 2024-06-06. Review status: criteria provided, single submitter. Criteria: Invitae Variant Classification Sherloc (09022015). Collection method: clinical testing. Allele origin: germline.
Comment: This sequence change replaces proline, which is neutral and non-polar, with alanine, which is neutral and non-polar, at codon 88 of the MET protein (p.Pro88Ala). This variant is not present in population databases (gnomAD no frequency). This variant has not been reported in the literature in individuals affected with MET-related conditions. ClinVar contains an entry for this variant (Variation ID: 485739). Advanced modeling of protein sequence and biophysical properties (such as structural, functional, and spatial information, amino acid conservation, physicochemical variation, residue mobility, and thermodynamic stability) performed at Invitae indicates that this missense variant is expected to disrupt MET protein function with a positive predictive value of 80%. In summary, the available evidence is currently insufficient to determine the role of this variant in disease. Therefore, it has been classified as a Variant of Uncertain Significance.

Ambry Genetics
Classification: Uncertain significance for Hereditary cancer-predisposing syndrome. Last evaluated: 2016-03-07. Review status: criteria provided, single submitter. Criteria: Ambry Variant Classification Scheme 2023. Collection method: clinical testing. Allele origin: germline.
Comment: The p.P88A variant (also known as c.262C>G), located in coding exon 1 of the MET gene, results from a C to G substitution at nucleotide position 262. The proline at codon 88 is replaced by alanine, an amino acid with highly similar properties. This variant was not reported in population based cohorts in the following databases: Database of Single Nucleotide Polymorphisms (dbSNP), NHLBI Exome Sequencing Project (ESP), and 1000 Genomes Project. In the ESP, this variant was not observed in 6088 samples (12176 alleles) with coverage at this position. To date, this alteration has been detected with an allele frequency of approximately 0.01% (greater than 10000 alleles tested) in our clinical cohort. This amino acid position is highly conserved in available vertebrate species. In addition, this alteration is predicted to be deleterious by in silico analysis. Since supporting evidence is limited at this time, the clinical significance of this alteration remains unclear.